The following is an entry in ClinVar:

NM_173689.7(CRB2):c.2803G>C (p.Gly935Arg)

Gene: CRB2 (crumbs cell polarity complex component 2; plus strand). Cytogenetic location: 9q33.3.
Variant type: single nucleotide variant.
Coding change: c.2803G>C on transcript NM_173689.7 (MANE Select); coding-DNA position 2803, G replaced by C.
Protein change: p.Gly935Arg; replaces glycine 935 with arginine.
Molecular consequence: missense variant. On other transcripts: non-coding transcript variant (1).
Genome position (GRCh38, 1-based): chr9:123,373,334, G>C. VCF-style: chr9-123373334-G-C. GRCh37 (hg19) VCF-style: chr9-126135613-G-C.
Other names: short protein forms G935R.
Identifiers: ClinVar variation 2690916 (VCV002690916.1), dbSNP rs2042045704, ClinGen allele CA374867458.

ClinVar aggregate classification (germline): Uncertain significance (1 of 4 stars; one submission).

Conditions:
Focal segmental glomerulosclerosis 9 (FSGS9). Identifiers: Orphanet 656, MedGen C4015555, MONDO:0014539, OMIM 616220.

Allele frequency attached by ClinVar (database versions not stated): gnomAD 0.00001; TOPMed 0.00001.
gnomAD v4.1: 3 of 1,442,926 alleles (0.00021%); highest among the groups gnomAD compares: Admixed American, 0.0056%; no homozygotes.

Submission:

Johns Hopkins Genomics, Johns Hopkins University
Classification: Uncertain significance for Focal segmental glomerulosclerosis 9. Last evaluated: 2023-09-12. Review status: criteria provided, single submitter. Criteria: ACMG Guidelines, 2015. Collection method: clinical testing. Allele origin: germline.
Comment: This CRB2 missense variant (rs2042045704) is rare (<0.1%) in a large population dataset (gnomAD v3.1.2: 2/151870 total alleles; 0.0013%; no homozygotes). It has not been reported in ClinVar, nor the literature, to our knowledge. Of two bioinformatics tools queried, one predicts that the substitution would be damaging, while the other predicts that it would be tolerated, and the glycine residue at this position is evolutionarily conserved across very few of the species assessed. We consider the clinical significance of c.2803G>C; p.Gly935Arg in CRB2 to be uncertain at this time.